The following is an entry in ClinVar:

NM_152618.3(BBS12):c.1340A>T (p.Glu447Val)

Gene: BBS12 (Bardet-Biedl syndrome 12; plus strand). Cytogenetic location: 4q27.
Variant type: single nucleotide variant.
Coding change: c.1340A>T on transcript NM_152618.3 (MANE Select); coding-DNA position 1340, A replaced by T.
Protein change: p.Glu447Val; replaces glutamic acid 447 with valine.
Molecular consequence: missense variant.
Genome position (GRCh38, 1-based): chr4:122,743,232, A>T. VCF-style: chr4-122743232-A-T. GRCh37 (hg19) VCF-style: chr4-123664387-A-T.
Other names: c.1340A>T, p.Glu447Val (NM_001178007.2); short protein forms E447V.
Identifiers: ClinVar variation 4986587 (VCV004986587.1).
Genomic context (GRCh38, chr4:122,743,232, plus strand): 5'-TAAACAGTAAGCGGTTGGTAATCGGCTCAGTGAATGGCAGTGTGATGCAGGCTTTTGCAG[A>T]GGCTGCAGGAGCAGTACAGGTGGCCTACATTACACAAGTGAATGAAGATTGTGTGGGCGA-3'
Protein context (NP_689831.2, residues 437-457): VNGSVMQAFA[Glu447Val]AAGAVQVAYI

ClinVar aggregate classification (germline): Uncertain significance (1 of 4 stars; one submission).

Conditions:
BBS12-related disorder. Also called: BBS12-related condition.

gnomAD v4.1: 3 of 1,614,122 alleles (0.00019%); highest among the groups gnomAD compares: Non-Finnish European, 0.00017%; no homozygotes.

Submission:

PreventionGenetics, part of Exact Sciences
Classification: Uncertain significance for BBS12-related condition. Last evaluated: 2025-09-25. Review status: criteria provided, single submitter. Criteria: ACMG Guidelines, 2015. Collection method: clinical testing. Allele origin: germline.
Comment: The BBS12 c.1340A>T variant is predicted to result in the amino acid substitution p.Glu447Val. To our knowledge, this variant has not been reported in the literature. This variant is reported in 0.00088% of alleles in individuals of European (Non-Finnish) descent in gnomAD. At this time, the clinical significance of this variant is uncertain due to the absence of conclusive functional and genetic evidence.